The following is an entry in ClinVar:

NM_199242.3(UNC13D):c.2044C>A (p.Arg682Ser)

Gene: UNC13D (unc-13 homolog D; minus strand). Cytogenetic location: 17q25.1.
Variant type: single nucleotide variant.
Coding change: c.2044C>A on transcript NM_199242.3 (MANE Select); coding-DNA position 2044, C replaced by A.
Protein change: p.Arg682Ser; replaces arginine 682 with serine.
Molecular consequence: missense variant.
Genome position (GRCh38, 1-based): chr17:75,834,665, G>T on the plus strand (C>A on the coding strand, the complement: UNC13D is on the minus strand). VCF-style: chr17-75834665-G-T. GRCh37 (hg19) VCF-style: chr17-73830746-G-T.
Other names: c.2044C>A (NM_199242.2); short protein forms R682S.
Identifiers: ClinVar variation 1055492 (VCV001055492.8), dbSNP rs755931780, ClinGen allele CA401090303.

ClinVar aggregate classification (germline): Uncertain significance. Review status: criteria provided, multiple submitters, no conflicts (2 of 4 stars). 2 submissions from 2 submitters: Uncertain significance (2). Last evaluated 2025-10-14.

Conditions:
Familial hemophagocytic lymphohistiocytosis 3 (FHL3). Also called: UNC13D-Related Familial Hemophagocytic Lymphohistiocytosis (UNC13D-fHLH). Identifiers: Orphanet 540, MedGen C1837174, MONDO:0012146, OMIM 608898.
Inborn genetic diseases. Identifiers: MedGen C0950123, MeSH D030342.

gnomAD v4.1: 1 of 1,613,746 alleles (0.000062%); highest among the groups gnomAD compares: Admixed American, 0.0017%; no homozygotes.

Submissions (2):

Ambry Genetics
Classification: Uncertain significance for Inborn genetic diseases. Last evaluated: 2025-10-14. Review status: criteria provided, single submitter. Criteria: Ambry Variant Classification Scheme 2023. Collection method: clinical testing. Allele origin: germline.

Labcorp Genetics (formerly Invitae), Labcorp
Classification: Uncertain significance for Familial hemophagocytic lymphohistiocytosis 3. Last evaluated: 2020-09-03. Review status: criteria provided, single submitter. Criteria: Invitae Variant Classification Sherloc (09022015). Collection method: clinical testing. Allele origin: germline.
Comment: Algorithms developed to predict the effect of missense changes on protein structure and function are either unavailable or do not agree on the potential impact of this missense change (SIFT: "Not Available"; PolyPhen-2: "Benign"; Align-GVGD: "Not Available"). This variant has not been reported in the literature in individuals with UNC13D-related conditions. This variant is not present in population databases (ExAC no frequency). This sequence change replaces arginine with serine at codon 682 of the UNC13D protein (p.Arg682Ser). The arginine residue is weakly conserved and there is a moderate physicochemical difference between arginine and serine. In summary, the available evidence is currently insufficient to determine the role of this variant in disease. Therefore, it has been classified as a Variant of Uncertain Significance.